The following is an entry in ClinVar:

ClinVar aggregate classification (germline): Pathogenic (1 of 4 stars; one submission).

Conditions:
Nephronophthisis. Also called: Juvenile Nephronophthisis. Identifiers: Orphanet 655, MedGen C0687120, MONDO:0019005, HP:0000090.

Submission:

Labcorp Genetics (formerly Invitae), Labcorp
Classification: Pathogenic for Nephronophthisis. Last evaluated: 2024-02-16. Review status: criteria provided, single submitter. Criteria: Invitae Variant Classification Sherloc (09022015). Collection method: clinical testing. Allele origin: germline.
Comment: This sequence change creates a premature translational stop signal (p.Ser985Profs*4) in the INVS gene. It is expected to result in an absent or disrupted protein product. Loss-of-function variants in INVS are known to be pathogenic (PMID: 12872123). This variant is not present in population databases (gnomAD no frequency). This variant has not been reported in the literature in individuals affected with INVS-related conditions. For these reasons, this variant has been classified as Pathogenic.

Literature cited by the submitters: PubMed 12872123.

NM_014425.5(INVS):c.2926_2951dup (p.Lys984_Ser985insProLeuGlnTer)

Gene: INVS (inversin; plus strand). Cytogenetic location: 9q31.1.
Variant type: Duplication.
Coding change: c.2926_2951dup on transcript NM_014425.5 (MANE Select); coding-DNA positions 2926 to 2951, 26 bases duplicated (ACCACTGCAGTAAGCAAGGCCCCCAA).
Protein change: p.Lys984_Ser985insProLeuGlnTer.
Molecular consequence: nonsense. On other transcripts: non-coding transcript variant (1).
Genome position (GRCh38, 1-based): chr9:100,297,056-100,297,081, ACCACTGCAGTAAGCAAGGCCCCCAA duplicated; duplicating any 26 consecutive bases within chr9:100,297,049-100,297,081 gives the same sequence; the c. name uses the placement nearest the transcript's 3' end. VCF-style (leftmost placement, unchanged base first): chr9-100297048-T-TCCCCCAAACCACTGCAGTAAGCAAGG. GRCh37 (hg19) VCF-style: chr9-103059330-T-TCCCCCAAACCACTGCAGTAAGCAAGG.
Other names: c.2638_2663dup, p.Lys888_Ser889insProLeuGlnTer (NM_001318381.2); c.1948_1973dup, p.Lys658_Ser659insProLeuGlnTer (NM_001318382.2).
Identifiers: ClinVar variation 3641203 (VCV003641203.2).